The following is an entry in ClinVar:

ClinVar aggregate classification (germline): Pathogenic. Review status: criteria provided, multiple submitters, no conflicts (2 of 4 stars). 2 submissions from 2 submitters: Pathogenic (2). Last evaluated 2022-08-11.

Conditions:
Mitochondrial complex I deficiency, nuclear type 17. Also called: Mitochondrial complex 1 deficiency, nuclear type 17. Identifiers: MedGen C4748786, MONDO:0032622, OMIM 618239.
Fanconi renotubular syndrome 5. Also called: FANCONI RENOTUBULAR SYNDROME, ACADIAN VARIANT. Identifiers: MedGen C5394473, MONDO:0030056, OMIM 618913.
Inborn genetic diseases. Identifiers: MedGen C0950123, MeSH D030342.

Submissions (2):

Ambry Genetics
Classification: Pathogenic for Inborn genetic diseases. Last evaluated: 2022-08-11. Review status: criteria provided, single submitter. Criteria: Ambry Variant Classification Scheme 2023. Collection method: clinical testing. Allele origin: germline.
Comment: The c.485dupA (p.N162Kfs*4) alteration, located in exon 5 (coding exon 5) of the NDUFAF6 gene, consists of a duplication of A at position 485, causing a translational frameshift with a predicted alternate stop codon after 4 amino acids. This alteration is expected to result in loss of function by premature protein truncation or nonsense-mediated mRNA decay. Based on the available evidence, this alteration is classified as pathogenic.

Juno Genomics, Hangzhou Juno Genomics, Inc
Classification: Pathogenic for Fanconi renotubular syndrome 5; Mitochondrial complex I deficiency, nuclear type 17. Review status: criteria provided, single submitter. Criteria: ACMG Guidelines, 2015. Collection method: clinical testing. Allele origin: germline.
Comment: Absent from controls (or at extremely low frequency if recessive) in Genome Aggregation Database.;Null variant in a gene where loss of function (LOF) is a known mechanism of disease.;For recessive disorders, detected in trans with a pathogenic variant.

NM_152416.4(NDUFAF6):c.485dup (p.Asn162fs)

Gene: NDUFAF6 (NADH:ubiquinone oxidoreductase complex assembly factor 6; plus strand). Cytogenetic location: 8q22.1.
Variant type: Duplication.
Coding change: c.485dup on transcript NM_152416.4 (MANE Select); coding-DNA position 485, one base duplicated (A; older notation c.485dupA).
Protein change: p.Asn162fs; shifts the reading frame from asparagine 162.
Molecular consequence: frameshift variant. On other transcripts: non-coding transcript variant (6).
Genome position (GRCh38, 1-based): chr8:95,045,552, A duplicated; the last of 7 consecutive A bases (chr8:95,045,546-95,045,552); duplicating any one gives the same sequence. VCF-style (leftmost placement, unchanged base first): chr8-95045545-G-GA. GRCh37 (hg19) VCF-style: chr8-96057773-G-GA.
Other names: c.29dup, p.Asn10fs (NM_001354531.2, NM_001354532.2, NM_001354533.2 and 7 more transcripts); c.152dup, p.Asn51fs (NM_001354534.2, NM_001354517.2, NM_001354518.2 and 1 more transcripts); c.209dup, p.Asn70fs (NM_001330582.2, NM_001354514.2, NM_001354515.2 and 1 more transcripts); c.329dup, p.Asn110fs (NM_001354516.2); short protein forms N10fs, N70fs, N110fs, N162fs, N51fs.
Identifiers: ClinVar variation 521473 (VCV000521473.7), dbSNP rs762093523, ClinGen allele CA4814818.
Genomic context (GRCh38, chr8:95,045,545, plus strand): 5'-CCTTTTCTTTCTAAAATATTGACAGTTCAACAGACTTTATTTGCATTTTATTTGATGTAG[G>GA]AAAAAAATCTGGATGACAAAGCATATCGTAATATCAAGGAACTGGAAAATTATGCTGAAA-3'